The following is an entry in ClinVar:

NM_001044385.3(TMEM237):c.678-4T>G

Gene: TMEM237 (transmembrane protein 237; minus strand). Cytogenetic location: 2q33.1.
Variant type: single nucleotide variant.
Coding change: c.678-4T>G on transcript NM_001044385.3 (MANE Select); 4 bases into the intron before coding-DNA position 678, T replaced by G.
Molecular consequence: intron variant.
Genome position (GRCh38, 1-based): chr2:201,629,425, A>C on the plus strand (T>G on the coding strand, the complement: TMEM237 is on the minus strand). VCF-style: chr2-201629425-A-C. GRCh37 (hg19) VCF-style: chr2-202494148-A-C.
Other names: c.654-4T>G (NM_152388.4).
Identifiers: ClinVar variation 392734 (VCV000392734.2), dbSNP rs762038534, ClinGen allele CA2056410.

ClinVar aggregate classification (germline): Likely benign. Review status: criteria provided, multiple submitters, no conflicts (2 of 4 stars). 2 submissions from 2 submitters: Likely benign (2). Last evaluated 2020-05-25.

Allele frequency attached by ClinVar (database versions not stated): gnomAD exomes 0.00002 and 0.00004; ExAC 0.00006.
gnomAD v4.1: 28 of 1,550,378 alleles (0.0018%); highest among the groups gnomAD compares: East Asian, 0.061%; no homozygotes.

Submissions (2):

Blueprint Genetics
Classification: Likely benign. Last evaluated: 2020-05-25. Review status: criteria provided, single submitter. Criteria: ACMG Guidelines, 2015. Collection method: clinical testing. Allele origin: germline.

GeneDx
Classification: Likely benign. Last evaluated: 2017-01-16. Review status: criteria provided, single submitter. Criteria: GeneDx Variant Classification (06012015). Collection method: clinical testing. Allele origin: germline. Affected: yes.
Comment: This variant is considered likely benign or benign based on one or more of the following criteria: it is a conservative change, it occurs at a poorly conserved position in the protein, it is predicted to be benign by multiple in silico algorithms, and/or has population frequency not consistent with disease.